The following is an entry in ClinVar:

ClinVar aggregate classification (germline): Benign/Likely benign. Review status: criteria provided, multiple submitters, no conflicts (2 of 4 stars). 3 submissions from 3 submitters: Benign (1); Likely benign (2). Last evaluated 2026-09-01.

Allele frequency attached by ClinVar (database versions not stated): gnomAD exomes 0.00023 and 0.00057; ExAC 0.00112; ESP Exome Variant Server 0.00147; gnomAD 0.00191 and 0.00202; TOPMed 0.00192; 1000 Genomes Project 0.00220; 1000 Genomes Project 30x 0.00250.

Submissions (3):

CeGaT Center for Human Genetics Tuebingen
Classification: Likely benign. Last evaluated: 2026-09-01. Review status: criteria provided, single submitter. Criteria: CeGaT Center For Human Genetics Tuebingen Variant Classification Criteria Version 2. Collection method: clinical testing. Allele origin: germline. Affected: yes. Observed: 3 variant alleles.
Comment: COL18A1: BP4, BP7

Labcorp Genetics (formerly Invitae), Labcorp
Classification: Benign. Last evaluated: 2026-02-02. Review status: criteria provided, single submitter. Criteria: Invitae Variant Classification Sherloc (09022015). Collection method: clinical testing. Allele origin: germline.

Blueprint Genetics
Classification: Likely benign. Last evaluated: 2024-09-06. Review status: criteria provided, single submitter. Criteria: ACMG Guidelines, 2015. Collection method: clinical testing. Allele origin: germline.

NM_001379500.1(COL18A1):c.2673C>T (p.Pro891=)

Gene: COL18A1 (collagen type XVIII alpha 1 chain; plus strand). Cytogenetic location: 21q22.3.
Variant type: single nucleotide variant.
Coding change: c.2673C>T on transcript NM_001379500.1 (MANE Select); coding-DNA position 2673, C replaced by T.
Protein change: p.Pro891=; no amino-acid change (proline 891 retained).
Molecular consequence: synonymous variant.
Genome position (GRCh38, 1-based): chr21:45,497,651, C>T. VCF-style: chr21-45497651-C-T. GRCh37 (hg19) VCF-style: chr21-46917565-C-T.
Other names: c.3213C>T, p.Pro1071= (NM_030582.4); c.3918C>T, p.Pro1306= (NM_130444.3).
Identifiers: ClinVar variation 1166462 (VCV001166462.15), dbSNP rs191481067, ClinGen allele CA10067265.